The following is an entry in ClinVar:

ClinVar aggregate classification (germline): Uncertain significance (1 of 4 stars; one submission).

Allele frequency attached by ClinVar (database versions not stated): ExAC 0.00003; ESP Exome Variant Server 0.00008.
gnomAD v4.1: 17 of 1,613,846 alleles (0.0011%); highest among the groups gnomAD compares: South Asian, 0.0055%; no homozygotes.

Submission:

Labcorp Genetics (formerly Invitae), Labcorp
Classification: Uncertain significance. Last evaluated: 2023-01-31. Review status: criteria provided, single submitter. Criteria: Invitae Variant Classification Sherloc (09022015). Collection method: clinical testing. Allele origin: germline.
Comment: This sequence change replaces arginine, which is basic and polar, with cysteine, which is neutral and slightly polar, at codon 481 of the LRP6 protein (p.Arg481Cys). This variant is present in population databases (rs147034749, gnomAD 0.006%). This variant has not been reported in the literature in individuals affected with LRP6-related conditions. Advanced modeling of protein sequence and biophysical properties (such as structural, functional, and spatial information, amino acid conservation, physicochemical variation, residue mobility, and thermodynamic stability) performed at Invitae indicates that this missense variant is expected to disrupt LRP6 protein function. In summary, the available evidence is currently insufficient to determine the role of this variant in disease. Therefore, it has been classified as a Variant of Uncertain Significance.

NM_002336.3(LRP6):c.1441C>T (p.Arg481Cys)

Gene: LRP6 (LDL receptor related protein 6; minus strand). Cytogenetic location: 12p13.2.
Variant type: single nucleotide variant.
Coding change: c.1441C>T on transcript NM_002336.3 (MANE Select); coding-DNA position 1441, C replaced by T.
Protein change: p.Arg481Cys; replaces arginine 481 with cysteine.
Molecular consequence: missense variant. On other transcripts: non-coding transcript variant (1).
Genome position (GRCh38, 1-based): chr12:12,179,914, G>A on the plus strand (C>T on the coding strand, the complement: LRP6 is on the minus strand). VCF-style: chr12-12179914-G-A. GRCh37 (hg19) VCF-style: chr12-12332848-G-A.
Other names: c.1441C>T, p.Arg481Cys (NM_001414245.1, NM_001414246.1, NM_001414248.1 and 5 more transcripts); c.1243C>T, p.Arg415Cys (NM_001414247.1); c.988C>T, p.Arg330Cys (NM_001414252.1, NM_001414253.1, NM_001414254.1); short protein forms R415C, R481C, R330C.
Identifiers: ClinVar variation 3003274 (VCV003003274.3), dbSNP rs147034749, ClinGen allele CA6455672.